The following is an entry in ClinVar:

NM_003491.4(NAA10):c.50G>A (p.Cys17Tyr)

Gene: NAA10 (N-alpha-acetyltransferase 10, NatA catalytic subunit; minus strand). Cytogenetic location: Xq28.
Variant type: single nucleotide variant.
Coding change: c.50G>A on transcript NM_003491.4 (MANE Select); coding-DNA position 50, G replaced by A.
Protein change: p.Cys17Tyr; replaces cysteine 17 with tyrosine.
Molecular consequence: missense variant.
Genome position (GRCh38, 1-based): chrX:153,934,447, C>T on the plus strand (G>A on the coding strand, the complement: NAA10 is on the minus strand). VCF-style: chrX-153934447-C-T. GRCh37 (hg19) VCF-style: chrX-153199900-C-T.
Other names: c.50G>A, p.Cys17Tyr (NM_001256119.2, NM_001256120.2); short protein forms C17Y.
Identifiers: ClinVar variation 3766065 (VCV003766065.1).

ClinVar aggregate classification (germline): Pathogenic (1 of 4 stars; one submission).

Submission:

GeneDx
Classification: Pathogenic. Last evaluated: 2024-08-30. Review status: criteria provided, single submitter. Criteria: GeneDx Variant Classification Process June 2021. Collection method: clinical testing. Allele origin: germline. Affected: yes.
Comment: Not observed at significant frequency in large population cohorts (gnomAD); In silico analysis supports that this missense variant has a deleterious effect on protein structure/function; Has not been previously published as pathogenic or benign to our knowledge